The following is an entry in ClinVar:

ClinVar aggregate classification (germline): Uncertain significance. Review status: criteria provided, multiple submitters, no conflicts (2 of 4 stars). 2 submissions from 2 submitters: Uncertain significance (2). Last evaluated 2023-06-08.

Conditions:
Epidermolysis bullosa simplex 5B, with muscular dystrophy (EBS5B). Also called: EPIDERMOLYSIS BULLOSA SIMPLEX AND LIMB-GIRDLE MUSCULAR DYSTROPHY; Epidermolysis bullosa simplex with muscular dystrophy. Identifiers: Orphanet 257, MedGen C2931072, MONDO:0009181, OMIM 226670.
Epidermolysis bullosa simplex with nail dystrophy (EBS5D). Identifiers: MedGen C4225309, MONDO:0014661, OMIM 616487.
Epidermolysis bullosa simplex 5C, with pyloric atresia (EBS5C). Also called: PLEC-Related Epidermolysis Bullosa with Pyloric Atresia; Epidermolysis bullosa simplex with pyloric atresia; PLEC1-Related Epidermolysis Bullosa with Pyloric Atresia. Identifiers: Orphanet 158684, MedGen C2677349, MONDO:0012807, OMIM 612138.
Autosomal recessive limb-girdle muscular dystrophy type 2Q (LGMDR17). Also called: MUSCULAR DYSTROPHY, LIMB-GIRDLE, AUTOSOMAL RECESSIVE 17. Identifiers: Orphanet 254361, MedGen C3150989, MONDO:0013390, OMIM 613723.
Epidermolysis bullosa simplex, Ogna type (EBS5A). Also called: EPIDERMOLYSIS BULLOSA SIMPLEX 5A, OGNA TYPE; Pidermolysis bullosa simplex 5A, Ogna type. Identifiers: Orphanet 79401, MedGen C0432317, MONDO:0007555, OMIM 131950.

Allele frequency attached by ClinVar (database versions not stated): gnomAD 0.00001; gnomAD exomes 0.00001.
gnomAD v4.1: 6 of 1,608,278 alleles (0.00037%); highest among the groups gnomAD compares: South Asian, 0.0044%; no homozygotes.

Submissions (2):

Labcorp Genetics (formerly Invitae), Labcorp
Classification: Uncertain significance for Autosomal recessive limb-girdle muscular dystrophy type 2Q; Epidermolysis bullosa simplex, Ogna type; Epidermolysis bullosa simplex with nail dystrophy; Epidermolysis bullosa simplex 5C, with pyloric atresia; Epidermolysis bullosa simplex 5B, with muscular dystrophy. Last evaluated: 2023-06-08. Review status: criteria provided, single submitter. Criteria: Invitae Variant Classification Sherloc (09022015). Collection method: clinical testing. Allele origin: germline.
Comment: In summary, the available evidence is currently insufficient to determine the role of this variant in disease. Therefore, it has been classified as a Variant of Uncertain Significance. An algorithm developed to predict the effect of missense changes on protein structure and function (PolyPhen-2) suggests that this variant is likely to be disruptive. ClinVar contains an entry for this variant (Variation ID: 2434963). This variant has not been reported in the literature in individuals affected with PLEC-related conditions. This variant is present in population databases (no rsID available, gnomAD 0.003%). This sequence change replaces alanine, which is neutral and non-polar, with threonine, which is neutral and polar, at codon 2356 of the PLEC protein (p.Ala2356Thr).

Revvity Omics, Revvity
Classification: Uncertain significance. Last evaluated: 2020-03-10. Review status: criteria provided, single submitter. Criteria: ACMG Guidelines, 2015. Collection method: clinical testing. Allele origin: germline.

NM_201384.3(PLEC):c.6985G>A (p.Ala2329Thr)

Gene: PLEC (plectin; minus strand). Cytogenetic location: 8q24.3.
Variant type: single nucleotide variant.
Coding change: c.6985G>A on transcript NM_201384.3 (MANE Select); coding-DNA position 6985, G replaced by A.
Protein change: p.Ala2329Thr; replaces alanine 2329 with threonine.
Molecular consequence: missense variant.
Genome position (GRCh38, 1-based): chr8:143,922,944, C>T on the plus strand (G>A on the coding strand, the complement: PLEC is on the minus strand). VCF-style: chr8-143922944-C-T. GRCh37 (hg19) VCF-style: chr8-144997112-C-T.
Other names: c.7066G>A, p.Ala2356Thr (NM_000445.5); c.6943G>A, p.Ala2315Thr (NM_201378.4); c.6919G>A, p.Ala2307Thr (NM_201379.3); c.7396G>A, p.Ala2466Thr (NM_201380.4); c.6889G>A, p.Ala2297Thr (NM_201381.3); c.6985G>A, p.Ala2329Thr (NM_201382.4); c.6997G>A, p.Ala2333Thr (NM_201383.3); short protein forms A2297T, A2307T, A2315T, A2329T, A2333T, A2356T, A2466T.
Identifiers: ClinVar variation 2434963 (VCV002434963.6), dbSNP rs1554690982, ClinGen allele CA372530929.